The following is an entry in ClinVar:

ClinVar aggregate classification (germline): Conflicting classifications of pathogenicity. Review status: criteria provided, conflicting classifications (1 of 4 stars). 3 submissions from 3 submitters: Uncertain significance (1); Likely benign (2). Last evaluated 2024-10-08.

Conditions:
Juvenile polyposis syndrome (JPS). Identifiers: Orphanet 2929, MedGen C0345893, MONDO:0017380, OMIM 174900.
Juvenile polyposis/hereditary hemorrhagic telangiectasia syndrome (JPHT). Also called: POLYPOSIS, GENERALIZED JUVENILE, WITH PULMONARY ARTERIOVENOUS MALFORMATION; TELANGIECTASIA, HEREDITARY HEMORRHAGIC, WITH JUVENILE POLYPOSIS COLI; Juvenile Polyposis Syndrome / Hereditary Hemorrhagic Telangiectasia (JPS/HHT); JP/HHT SYNDROME; JUVENILE POLYPOSIS WITH HEREDITARY HEMORRHAGIC TELANGIECTASIA. Identifiers: Orphanet 2929, MedGen C1832942, MONDO:0008278, OMIM 175050.

Submissions (3):

Labcorp Genetics (formerly Invitae), Labcorp
Classification: Likely benign for Juvenile polyposis syndrome. Last evaluated: 2024-10-08. Review status: criteria provided, single submitter. Criteria: Invitae Variant Classification Sherloc (09022015). Collection method: clinical testing. Allele origin: germline.

All of Us Research Program, National Institutes of Health
Classification: Uncertain significance for Juvenile polyposis/hereditary hemorrhagic telangiectasia syndrome. Last evaluated: 2023-11-20. Review status: criteria provided, single submitter. Criteria: ACMG Guidelines, 2015. Collection method: clinical testing. Allele origin: germline. Inheritance: Autosomal dominant inheritance. Observed: 1 variant allele, 1 heterozygote.
Comment: This variant causes a deletion of one nucleotide in intron 6 of the SMAD4 gene. To our knowledge, functional studies have not been reported for this variant. This variant has not been reported in individuals affected with SMAD4-related disorders in the literature. This variant has not been identified in the general population by the Genome Aggregation Database (gnomAD). The available evidence is insufficient to determine the role of this variant in disease conclusively. Therefore, this variant is classified as a Variant of Uncertain Significance.

This study involves interpretation of variants in research participants for the purpose of population health screening. Participant phenotype was not available at the time of variant classification. Additional details can be found in publication PMID: 35346344, PMCID: PMC8962531

GeneDx
Classification: Likely benign. Last evaluated: 2015-12-06. Review status: criteria provided, single submitter. Criteria: GeneDx Variant Classification (06012015). Collection method: clinical testing. Allele origin: germline. Affected: yes.
Comment: This variant is considered likely benign or benign based on one or more of the following criteria: it is a conservative change, it occurs at a poorly conserved position in the protein, it is predicted to be benign by multiple in silico algorithms, and/or has population frequency not consistent with disease.

NM_005359.6(SMAD4):c.788-12del

Gene: SMAD4 (SMAD family member 4; plus strand). Cytogenetic location: 18q21.2.
Variant type: Deletion.
Coding change: c.788-12del on transcript NM_005359.6 (MANE Select); 12 bases into the intron before coding-DNA position 788, one base deleted (C; older notation c.788-12delC).
Molecular consequence: intron variant.
Genome position (GRCh38, 1-based): chr18:51,058,328, C deleted; the last of 2 consecutive C bases (chr18:51,058,327-51,058,328); deleting either gives the same sequence. VCF-style (leftmost placement, unchanged base first): chr18-51058326-GC-G. GRCh37 (hg19) VCF-style: chr18-48584696-GC-G.
Other names: c.788-12delC (NM_005359.5).
Identifiers: ClinVar variation 420249 (VCV000420249.9), dbSNP rs1064794372, ClinGen allele CA16620703.